The following is an entry in ClinVar:

NM_001036.6(RYR3):c.5407G>A (p.Val1803Ile)

Gene: RYR3 (ryanodine receptor 3; plus strand). Cytogenetic location: 15q14.
Variant type: single nucleotide variant.
Coding change: c.5407G>A on transcript NM_001036.6 (MANE Select); coding-DNA position 5407, G replaced by A.
Protein change: p.Val1803Ile; replaces valine 1803 with isoleucine.
Molecular consequence: missense variant.
Genome position (GRCh38, 1-based): chr15:33,662,937, G>A. VCF-style: chr15-33662937-G-A. GRCh37 (hg19) VCF-style: chr15-33955138-G-A.
Other names: c.5407G>A (NM_001036.3); c.5407G>A, p.Val1803Ile (NM_001243996.4); short protein forms V1803I.
Identifiers: ClinVar variation 858454 (VCV000858454.10), dbSNP rs377018905, ClinGen allele CA7459239.
Genomic context (GRCh38, chr15:33,662,937, plus strand): 5'-GAGAAGGCCGGCAAGGAGGCTCCTGTCAAAGGCTTGTTGCAGACTCGATTACCCGAATCC[G>A]TCAAGCTGCAGGTAAGCTGCAGGTGGTTAAGTGGAGGCAGGTTAATAGATCTTCTGCTTT-3'
Protein context (NP_001027.3, residues 1793-1813): GLLQTRLPES[Val1803Ile]KLQMCELLSY

ClinVar aggregate classification (germline): Uncertain significance. Review status: criteria provided, multiple submitters, no conflicts (2 of 4 stars). 2 submissions from 2 submitters: Uncertain significance (2). Last evaluated 2024-12-02.

Conditions:
Epileptic encephalopathy. Identifiers: MedGen C0543888, HP:0200134.

Allele frequency attached by ClinVar (database versions not stated): TOPMed 0.00001.
gnomAD v4.1: 29 of 1,611,692 alleles (0.0018%); highest among the groups gnomAD compares: Admixed American, 0.013%; no homozygotes.

Submissions (2):

Ambry Genetics
Classification: Uncertain significance. Last evaluated: 2024-12-02. Review status: criteria provided, single submitter. Criteria: Ambry Variant Classification Scheme 2023. Collection method: clinical testing. Allele origin: germline.

Labcorp Genetics (formerly Invitae), Labcorp
Classification: Uncertain significance for Epileptic encephalopathy. Last evaluated: 2022-03-19. Review status: criteria provided, single submitter. Criteria: Invitae Variant Classification Sherloc (09022015). Collection method: clinical testing. Allele origin: germline.
Comment: Algorithms developed to predict the effect of missense changes on protein structure and function are either unavailable or do not agree on the potential impact of this missense change (SIFT: "Deleterious"; PolyPhen-2: "Benign"; Align-GVGD: "Class C25"). ClinVar contains an entry for this variant (Variation ID: 858454). This variant has not been reported in the literature in individuals affected with RYR3-related conditions. This variant is present in population databases (rs377018905, gnomAD 0.01%). This sequence change replaces valine, which is neutral and non-polar, with isoleucine, which is neutral and non-polar, at codon 1803 of the RYR3 protein (p.Val1803Ile). In summary, the available evidence is currently insufficient to determine the role of this variant in disease. Therefore, it has been classified as a Variant of Uncertain Significance.